The following is an entry in ClinVar:

NM_007294.4(BRCA1):c.4357+380A>G

Gene: BRCA1 (BRCA1 DNA repair associated; minus strand). Cytogenetic location: 17q21.31.
Variant type: single nucleotide variant.
Coding change: c.4357+380A>G on transcript NM_007294.4 (MANE Select); 380 bases into the intron after coding-DNA position 4357, A replaced by G.
Molecular consequence: intron variant.
Genome position (GRCh38, 1-based): chr17:43,082,024, T>C on the plus strand (A>G on the coding strand, the complement: BRCA1 is on the minus strand). VCF-style: chr17-43082024-T-C. GRCh37 (hg19) VCF-style: chr17-41234041-T-C.
Other names: IVS 13+380A>G; c.4234+380A>G (NM_001407938.1, NM_001407667.1, NM_001407668.1 and 13 more transcripts); c.931+380A>G (NM_001408423.1, NM_001408420.1, NM_001408419.1 and 2 more transcripts); c.1045+380A>G (NM_001408404.1, NM_001408472.1, NM_001407990.1 and 18 more transcripts); c.1048+380A>G (NM_007299.4, NM_001407974.1, NM_001407973.1 and 8 more transcripts); c.1750+380A>G (NM_001407969.1); c.1753+380A>G (NM_001407968.1); c.4354+380A>G (NM_001407640.1, NM_001407626.1, NM_001407638.1 and 21 more transcripts); and 52 more.
Identifiers: ClinVar variation 209411 (VCV000209411.2), dbSNP rs8176185, ClinGen allele CA276383.

ClinVar aggregate classification (germline): Benign (3 of 4 stars; one submission).

Conditions:
Breast-ovarian cancer, familial, susceptibility to, 1 (BROVCA1). Also called: BRCA1 Hereditary Breast and Ovarian Cancer; OVARIAN CANCER, SUSCEPTIBILITY TO. Identifiers: Orphanet 145, MedGen C2676676, MONDO:0011450, OMIM 604370. Disease mechanism: loss of function.

Allele frequency attached by ClinVar (database versions not stated): gnomAD 0.00442 and 0.00477; TOPMed 0.00520; 1000 Genomes Project 0.00559; 1000 Genomes Project 30x 0.00640.
gnomAD v4.1: 671 of 152,348 alleles (0.44%); highest among the groups gnomAD compares: African/African-American, 1.5%; 6 homozygotes.

Submission:

Evidence-based Network for the Interpretation of Germline Mutant Alleles (ENIGMA)
Classification: Benign for Breast-ovarian cancer, familial 1. Last evaluated: 2015-01-12. Review status: reviewed by expert panel. Criteria: ENIGMA BRCA1/2 Classification Criteria (2015). Collection method: curation. Allele origin: germline.
Comment: Class 1 not pathogenic based on frequency >1% in an outbred sampleset. Frequency 0.01423 (African), derived from 1000 genomes (2012-04-30).